The following is an entry in ClinVar:

ClinVar aggregate classification (germline): Uncertain significance (1 of 4 stars; one submission).

Allele frequency attached by ClinVar (database versions not stated): TOPMed below 0.00001.
gnomAD v4.1: 1 of 1,614,072 alleles (0.000062%); highest among the groups gnomAD compares: Non-Finnish European, 0.000085%; no homozygotes.

Submission:

Labcorp Genetics (formerly Invitae), Labcorp
Classification: Uncertain significance. Last evaluated: 2025-05-12. Review status: criteria provided, single submitter. Criteria: Invitae Variant Classification Sherloc (09022015). Collection method: clinical testing. Allele origin: germline.
Comment: This sequence change replaces glutamine, which is neutral and polar, with leucine, which is neutral and non-polar, at codon 592 of the ADGRE2 protein (p.Gln592Leu). This variant is not present in population databases (gnomAD no frequency). This variant has not been reported in the literature in individuals affected with ADGRE2-related conditions. ClinVar contains an entry for this variant (Variation ID: 3004488). An algorithm developed to predict the effect of missense changes on protein structure and function (PolyPhen-2) suggests that this variant is likely to be tolerated. In summary, the available evidence is currently insufficient to determine the role of this variant in disease. Therefore, it has been classified as a Variant of Uncertain Significance.

NM_013447.4(ADGRE2):c.1775A>T (p.Gln592Leu)

Gene: ADGRE2 (adhesion G protein-coupled receptor E2; minus strand). Cytogenetic location: 19p13.12.
Variant type: single nucleotide variant.
Coding change: c.1775A>T on transcript NM_013447.4 (MANE Select); coding-DNA position 1775, A replaced by T.
Protein change: p.Gln592Leu; replaces glutamine 592 with leucine.
Molecular consequence: missense variant.
Genome position (GRCh38, 1-based): chr19:14,752,342, T>A on the plus strand (A>T on the coding strand, the complement: ADGRE2 is on the minus strand). VCF-style: chr19-14752342-T-A. GRCh37 (hg19) VCF-style: chr19-14863154-T-A.
Other names: c.1601A>T, p.Gln534Leu (NM_001271052.1); c.1628A>T, p.Gln543Leu (NM_152916.2); c.1496A>T, p.Gln499Leu (NM_152917.2); short protein forms Q499L, Q592L, Q543L, Q534L.
Identifiers: ClinVar variation 3004488 (VCV003004488.3), dbSNP rs2043324991, ClinGen allele CA404453222.